The following is an entry in ClinVar:

NM_001374736.1(DST):c.17496A>C (p.Glu5832Asp)

Gene: DST (dystonin; minus strand). Cytogenetic location: 6p12.1.
Variant type: single nucleotide variant.
Coding change: c.17496A>C on transcript NM_001374736.1 (MANE Select); coding-DNA position 17496, A replaced by C.
Protein change: p.Glu5832Asp; replaces glutamic acid 5832 with aspartic acid.
Molecular consequence: missense variant. On other transcripts: intron variant (2).
Genome position (GRCh38, 1-based): chr6:56,529,547, T>G on the plus strand (A>C on the coding strand, the complement: DST is on the minus strand). VCF-style: chr6-56529547-T-G. GRCh37 (hg19) VCF-style: chr6-56394345-T-G.
Other names: c.11139A>C, p.Glu3713Asp (NM_001144769.5); c.10725A>C, p.Glu3575Asp (NM_001144770.2); c.17496A>C, p.Glu5832Asp (NM_001374722.1); c.17523A>C, p.Glu5841Asp (NM_001374734.1); c.10605A>C, p.Glu3535Asp (NM_001386100.1, NM_183380.4); c.9627A>C, p.Glu3209Asp (NM_015548.5); c.10377+427A>C (NM_001374730.1); c.16635+427A>C (NM_001374729.1); short protein forms E3209D, E3535D, E3575D, E3713D, E5832D, E5841D.
Identifiers: ClinVar variation 1020205 (VCV001020205.6), dbSNP rs773757881, ClinGen allele CA3867428.

ClinVar aggregate classification (germline): Uncertain significance (1 of 4 stars; one submission).

Conditions:
Hereditary sensory and autonomic neuropathy type 6. Also called: HSAN VI; Neuropathy, hereditary sensory and autonomic, type VI. Identifiers: Orphanet 314381, MedGen C3539003, MONDO:0013839, OMIM 614653.
Epidermolysis bullosa simplex 3, localized or generalized intermediate, with BP230 deficiency (EBS3). Also called: Epidermolysis bullosa simplex due to BP230 deficiency; Epidermolysis bullosa simplex, autosomal recessive 2. Identifiers: Orphanet 412181, MedGen C3809470, MONDO:0014180, OMIM 615425.

Allele frequency attached by ClinVar (database versions not stated): gnomAD exomes 0.00002 and 0.00004; TOPMed 0.00003; ExAC 0.00005.
gnomAD v4.1: 10 of 1,613,712 alleles (0.00062%); highest among the groups gnomAD compares: Admixed American, 0.017%; no homozygotes.

Submission:

Labcorp Genetics (formerly Invitae), Labcorp
Classification: Uncertain significance for Epidermolysis bullosa simplex 3, localized or generalized intermediate, with BP230 deficiency; Hereditary sensory and autonomic neuropathy type 6. Last evaluated: 2020-08-27. Review status: criteria provided, single submitter. Criteria: Invitae Variant Classification Sherloc (09022015). Collection method: clinical testing. Allele origin: germline.
Comment: This variant has not been reported in the literature in individuals with DST-related conditions. This variant is present in population databases (rs773757881, ExAC 0.05%). This sequence change replaces glutamic acid with aspartic acid at codon 3209 of the DST protein (p.Glu3209Asp). The glutamic acid residue is moderately conserved and there is a small physicochemical difference between the two amino acids. The DST gene has multiple clinically relevant transcripts. This variant occurs in alternate transcript NM_015548.4, and corresponds to NM_001723.5:c.*85970A>C in the primary transcript. Experimental studies and prediction algorithms are not available or were not evaluated, and the functional significance of this variant is currently unknown. In summary, the available evidence is currently insufficient to determine the role of this variant in disease. Therefore, it has been classified as a Variant of Uncertain Significance.